The following is an entry in ClinVar:

ClinVar aggregate classification (germline): Conflicting classifications of pathogenicity. Review status: criteria provided, conflicting classifications (1 of 4 stars). 3 submissions from 3 submitters: Likely pathogenic (1); Uncertain significance (2). Last evaluated 2024-12-07.

Conditions:
Cardiovascular phenotype. Identifiers: MedGen CN230736.
Hypertrophic cardiomyopathy. Also called: HYPERTROPHIC MYOCARDIOPATHY. Identifiers: Orphanet 217569, MedGen C0007194, MeSH D002312, MONDO:0005045, HP:0001639.

Submissions (3):

Ambry Genetics
Classification: Uncertain significance for Cardiovascular phenotype. Last evaluated: 2024-12-07. Review status: criteria provided, single submitter. Criteria: Ambry Variant Classification Scheme 2023. Collection method: clinical testing. Allele origin: germline.
Comment: The p.N185S variant (also known as c.554A>G), located in coding exon 8 of the TNNI3 gene, results from an A to G substitution at nucleotide position 554. The asparagine at codon 185 is replaced by serine, an amino acid with highly similar properties. This amino acid position is well conserved in available vertebrate species. In addition, this alteration is predicted to be tolerated by in silico analysis. Based on the available evidence, the clinical significance of this variant remains unclear.

Labcorp Genetics (formerly Invitae), Labcorp
Classification: Uncertain significance for Hypertrophic cardiomyopathy. Last evaluated: 2024-07-24. Review status: criteria provided, single submitter. Criteria: Invitae Variant Classification Sherloc (09022015). Collection method: clinical testing. Allele origin: germline.
Comment: This sequence change replaces asparagine, which is neutral and polar, with serine, which is neutral and polar, at codon 185 of the TNNI3 protein (p.Asn185Ser). This variant is not present in population databases (gnomAD no frequency). This variant has not been reported in the literature in individuals affected with TNNI3-related conditions. ClinVar contains an entry for this variant (Variation ID: 181588). An algorithm developed to predict the effect of missense changes on protein structure and function outputs the following: PolyPhen-2: "Benign". The serine amino acid residue is found in multiple mammalian species, which suggests that this missense change does not adversely affect protein function. In summary, the available evidence is currently insufficient to determine the role of this variant in disease. Therefore, it has been classified as a Variant of Uncertain Significance.

GeneDx
Classification: Likely pathogenic. Last evaluated: 2012-06-25. Review status: criteria provided, single submitter. Criteria: GeneDx Variant Classification (06012015). Collection method: clinical testing. Allele origin: germline. Affected: yes.
Comment: The Asn185Ser variant in the TNNI3 gene has not been reported as a disease-causing mutation or as a benign polymorphism, to our knowledge. Furthermore, mutations in nearby codons (Lys183Asn, Lys183Glu, Arg186Gln, Asp190Gly) have been reported in association with cardiomyopathy, supporting the functional importance of this region of the protein. The NHLBI ESP Exome Variant Server reports Asn185Ser was not observed in approximately 5,900 samples from individuals of European and African American backgrounds, indicating it is not a common variant in these populations. However, Asn185Ser is a conservative amino acid substitution of a larger, neutral, polar Asparagine with a smaller, neutral, polar Serine at a position that is not well conserved through evolution. In summary, with the clinical and molecular information available at this time, we cannot unequivocally determine the clinical significance of Asn185Ser in the TNNI3 gene, although evidence suggests it is likely disease-causing. The variant is found in HCM panel(s).

NM_000363.5(TNNI3):c.554A>G (p.Asn185Ser)

Gene: TNNI3 (troponin I3, cardiac type; minus strand). Cytogenetic location: 19q13.42.
Variant type: single nucleotide variant.
Coding change: c.554A>G on transcript NM_000363.5 (MANE Select); coding-DNA position 554, A replaced by G.
Protein change: p.Asn185Ser; replaces asparagine 185 with serine.
Molecular consequence: missense variant.
Genome position (GRCh38, 1-based): chr19:55,151,913, T>C on the plus strand (A>G on the coding strand, the complement: TNNI3 is on the minus strand). VCF-style: chr19-55151913-T-C. GRCh37 (hg19) VCF-style: chr19-55663281-T-C.
Other names: p.N185S:AAC>AGC; c.554A>G (LRG_432t1); short protein forms N185S.
Identifiers: ClinVar variation 181588 (VCV000181588.5), dbSNP rs730881079, ClinGen allele CA021896.